The following is an entry in ClinVar:

NM_015846.4(MBD1):c.1161C>G (p.Pro387=)

Gene: MBD1 (methyl-CpG binding domain protein 1; minus strand). Cytogenetic location: 18q21.1.
Variant type: single nucleotide variant.
Coding change: c.1161C>G on transcript NM_015846.4 (MANE Select); coding-DNA position 1161, C replaced by G.
Protein change: p.Pro387=; no amino-acid change (proline 387 retained).
Molecular consequence: synonymous variant.
Genome position (GRCh38, 1-based): chr18:50,273,849, G>C on the plus strand (C>G on the coding strand, the complement: MBD1 is on the minus strand). VCF-style: chr18-50273849-G-C. GRCh37 (hg19) VCF-style: chr18-47800219-G-C.
Other names: c.1161C>G, p.Pro387= (NM_001204136.2, NM_001204139.2, NM_001204142.2 and 21 more transcripts); c.1236C>G, p.Pro412= (NM_001204137.2, NM_001323942.2, NM_001323947.2 and 14 more transcripts); c.1233C>G, p.Pro411= (NM_001204138.2, NM_001388141.1, NM_001399883.1 and 1 more transcripts); c.1068C>G, p.Pro356= (NM_001204140.2, NM_001388139.1, NM_001388142.1 and 7 more transcripts); c.1011C>G, p.Pro337= (NM_001204141.2); c.993C>G, p.Pro331= (NM_001204143.2, NM_001388144.1, NM_001388157.1 and 17 more transcripts); c.1092C>G, p.Pro364= (NM_001204151.3, NM_001399893.1, NM_001399908.1 and 3 more transcripts); c.729C>G, p.Pro243= (NM_001323949.2, NM_001399959.1); and 19 more.
Identifiers: ClinVar variation 3046595 (VCV003046595.2), dbSNP rs148994088, ClinGen allele CA8962892.

ClinVar aggregate classification (germline): Likely benign (0 of 4 stars; one submission).

Conditions:
MBD1-related disorder. Also called: MBD1-related condition.

Allele frequency attached by ClinVar (database versions not stated): TOPMed 0.00010; ESP Exome Variant Server 0.00015; gnomAD 0.00034; ExAC 0.00128; 1000 Genomes Project 30x 0.00265; 1000 Genomes Project 0.00280.

Submission:

PreventionGenetics, part of Exact Sciences
Classification: Likely benign for MBD1-related condition. Last evaluated: 2019-04-03. Review status: no assertion criteria provided. Collection method: clinical testing. Allele origin: germline.
Comment: This variant is classified as likely benign based on ACMG/AMP sequence variant interpretation guidelines (Richards et al. 2015 PMID: 25741868, with internal and published modifications).